The following is an entry in ClinVar:

ClinVar aggregate classification (germline): Benign/Likely benign. Review status: criteria provided, multiple submitters, no conflicts (2 of 4 stars). 27 submissions from 20 submitters: Benign (19); Likely benign (3). 5 of the submissions do not count toward it. Last evaluated 2026-02-03.

Conditions:
Cardiovascular phenotype. Identifiers: MedGen CN230736.
Dilated cardiomyopathy 1G (CMD1G). Identifiers: Orphanet 154, MedGen C1858763, MONDO:0011400, OMIM 604145.
Autosomal recessive limb-girdle muscular dystrophy type 2J (LGMDR10). Also called: MUSCULAR DYSTROPHY, LIMB-GIRDLE, AUTOSOMAL RECESSIVE 10; Limb-girdle muscular dystrophy, type 2J. Identifiers: Orphanet 140922, MedGen C1837342, MONDO:0012127, OMIM 608807.
Cardiomyopathy (CMYO). Also called: Cardiomyopathies. Identifiers: Orphanet 167848, MedGen C0878544, MONDO:0004994, HP:0001638. Inheritance: Various modes of inheritance.
Early-onset myopathy with fatal cardiomyopathy (CMYO5). Also called: CONGENITAL MYOPATHY 5 WITH CARDIOMYOPATHY; Salih Myopathy. Identifiers: Orphanet 289377, MedGen C2673677, MONDO:0012714, OMIM 611705. Disease mechanism: loss of function.
Tibial muscular dystrophy (TMD). Also called: Udd Distal Myopathy – Tibial Muscular Dystrophy; Tibial muscular dystrophy, tardive; UDD MYOPATHY. Identifiers: Orphanet 609, MedGen C1838244, MONDO:0010870, OMIM 600334.
Myopathy, myofibrillar, 9, with early respiratory failure (MFM9). Also called: Myopathy, distal, with early respiratory failure, autosomal dominant; Hereditary myopathy with early respiratory failure; MYOPATHY, PROXIMAL, WITH EARLY RESPIRATORY MUSCLE INVOLVEMENT; EDSTROM MYOPATHY. Identifiers: Orphanet 178464, Orphanet 34521, MedGen C1863599, MONDO:0011362, OMIM 603689.

Allele frequency attached by ClinVar (database versions not stated): gnomAD exomes 0.00502; ESP Exome Variant Server 0.00115; gnomAD 0.00967 and 0.00984; TOPMed 0.01860; ExAC 0.02098; 1000 Genomes Project 0.01617; 1000 Genomes Project 30x 0.01968.
gnomAD v4.1: 8,774 of 1,609,396 alleles (0.55%); highest among the groups gnomAD compares: Admixed American, 14%; 717 homozygotes.

Submissions (27):

Labcorp Genetics (formerly Invitae), Labcorp
Classification: Benign for Dilated cardiomyopathy 1G; Autosomal recessive limb-girdle muscular dystrophy type 2J. Last evaluated: 2026-02-03. Review status: criteria provided, single submitter. Criteria: Invitae Variant Classification Sherloc (09022015). Collection method: clinical testing. Allele origin: germline.

Molecular Diagnostic Laboratory for Inherited Cardiovascular Disease, Montreal Heart Institute
Classification: Benign. Last evaluated: 2025-04-09. Review status: criteria provided, single submitter. Criteria: ACMG Guidelines, 2015. Collection method: clinical testing. Allele origin: germline. Affected: no.

Mayo Clinic Laboratories, Mayo Clinic
Classification: Benign. Last evaluated: 2022-06-13. Review status: criteria provided, single submitter. Criteria: ACMG Guidelines, 2015. Collection method: clinical testing. Allele origin: germline. Observed: 66 variant alleles.
Comment: BA1

Genome-Nilou Lab
Classification: Benign for Autosomal recessive limb-girdle muscular dystrophy type 2J. Last evaluated: 2021-09-10. Review status: criteria provided, single submitter. Criteria: ACMG Guidelines, 2015. Collection method: clinical testing. Allele origin: germline. Affected: no.

Genome-Nilou Lab
Classification: Benign for Myopathy, myofibrillar, 9, with early respiratory failure. Last evaluated: 2021-09-10. Review status: criteria provided, single submitter. Criteria: ACMG Guidelines, 2015. Collection method: clinical testing. Allele origin: germline. Affected: no.

Genome-Nilou Lab
Classification: Benign for Early-onset myopathy with fatal cardiomyopathy. Last evaluated: 2021-09-10. Review status: criteria provided, single submitter. Criteria: ACMG Guidelines, 2015. Collection method: clinical testing. Allele origin: germline. Affected: no.

Genome-Nilou Lab
Classification: Benign for Tibial muscular dystrophy. Last evaluated: 2021-09-10. Review status: criteria provided, single submitter. Criteria: ACMG Guidelines, 2015. Collection method: clinical testing. Allele origin: germline. Affected: no.

Women's Health and Genetics/Laboratory Corporation of America, LabCorp
Classification: Likely benign. Last evaluated: 2019-08-19. Review status: criteria provided, single submitter. Criteria: LabCorp Variant Classification Summary - May 2015. Collection method: clinical testing. Allele origin: germline.

Athena Diagnostics
Classification: Benign. Last evaluated: 2019-05-30. Review status: criteria provided, single submitter. Criteria: Athena Diagnostics Criteria. Collection method: clinical testing. Allele origin: germline.

Illumina Laboratory Services, Illumina
Classification: Benign for Autosomal recessive limb-girdle muscular dystrophy type 2J. Last evaluated: 2018-01-12. Review status: criteria provided, single submitter. Criteria: ICSL Variant Classification Criteria 13 December 2019. Collection method: clinical testing. Allele origin: germline.
Comment: This variant was observed in the ICSL laboratory as part of a predisposition screen in an ostensibly healthy population. It had not been previously curated by ICSL or reported in the Human Gene Mutation Database (HGMD: prior to June 1st, 2018), and was therefore a candidate for classification through an automated scoring system. Utilizing variant allele frequency, disease prevalence and penetrance estimates, and inheritance mode, an automated score was calculated to assess if this variant is too frequent to cause the disease. Based on the score and internal cut-off values, a variant classified as benign is not then subjected to further curation. The score for this variant resulted in a classification of benign for this disease.

Illumina Laboratory Services, Illumina
Classification: Benign for Myopathy, myofibrillar, 9, with early respiratory failure. Last evaluated: 2018-01-12. Review status: criteria provided, single submitter. Criteria: ICSL Variant Classification Criteria 13 December 2019. Collection method: clinical testing. Allele origin: germline.
Comment: the same text as in the submission from Illumina Laboratory Services, Illumina above.

Illumina Laboratory Services, Illumina
Classification: Benign for Early-onset myopathy with fatal cardiomyopathy. Last evaluated: 2018-01-12. Review status: criteria provided, single submitter. Criteria: ICSL Variant Classification Criteria 13 December 2019. Collection method: clinical testing. Allele origin: germline.
Comment: the same text as in the submission from Illumina Laboratory Services, Illumina above.

Illumina Laboratory Services, Illumina
Classification: Benign for Tibial muscular dystrophy. Last evaluated: 2018-01-12. Review status: criteria provided, single submitter. Criteria: ICSL Variant Classification Criteria 13 December 2019. Collection method: clinical testing. Allele origin: germline.
Comment: the same text as in the submission from Illumina Laboratory Services, Illumina above.

Illumina Laboratory Services, Illumina
Classification: Benign for Dilated cardiomyopathy 1G. Last evaluated: 2018-01-12. Review status: criteria provided, single submitter. Criteria: ICSL Variant Classification Criteria 13 December 2019. Collection method: clinical testing. Allele origin: germline.
Comment: the same text as in the submission from Illumina Laboratory Services, Illumina above.

CHEO Genetics Diagnostic Laboratory, Children's Hospital of Eastern Ontario
Classification: Benign for Cardiomyopathy. Last evaluated: 2016-04-13. Review status: criteria provided, single submitter. Criteria: ACMG Guidelines, 2015. Collection method: clinical testing. Allele origin: germline. Study: Canadian Open Genetics Repository.

Eurofins Ntd Llc (ga)
Classification: Benign. Last evaluated: 2013-07-30. Review status: criteria provided, single submitter. Criteria: EGL Classification Definitions 2015. Collection method: clinical testing. Allele origin: germline. Observed: 3 variant alleles, 3 heterozygotes.

Biesecker Lab/Clinical Genomics Section, National Institutes of Health
Classification: Likely benign. Last evaluated: 2013-06-24. Review status: criteria provided, single submitter. Criteria: Ng et al. (Circ Cardiovasc Genet. 2013). Collection method: research. Allele origin: unknown. Observed: 3 variant alleles. Study: ClinSeq.
Comment: The study set was not selected for affection status in relation to any cancer. Pathogenicity categories were based on literature curation. See Pubmed ID:23861362 for details.

Medical sequencing

Ambry Genetics
Classification: Benign for Cardiovascular phenotype. Last evaluated: 2013-01-31. Review status: criteria provided, single submitter. Criteria: Ambry Autosomal Dominant and X-Linked criteria (10/2015). Collection method: clinical testing. Allele origin: germline. Observed: 1 variant allele.

GeneDx
Classification: Benign. Last evaluated: 2012-10-11. Review status: criteria provided, single submitter. Criteria: GeneDx Variant Classification (06012015). Collection method: clinical testing. Allele origin: germline. Affected: yes.
Comment: This variant is considered likely benign or benign based on one or more of the following criteria: it is a conservative change, it occurs at a poorly conserved position in the protein, it is predicted to be benign by multiple in silico algorithms, and/or has population frequency not consistent with disease.

Laboratory for Molecular Medicine, Mass General Brigham Personalized Medicine
Classification: Benign. Last evaluated: 2012-09-24. Review status: criteria provided, single submitter. Criteria: LMM Criteria. Collection method: clinical testing. Allele origin: germline. Observed: 41 variant alleles.
Comment: Arg11967Cys in exon 185 of TTN: This variant is not expected to have clinical si gnificance because it has been identified in 9.4% (12/128) of Mexican chromosome s from a broad population by the 1000 Genomes project (dbSNP rs1241771).

Breakthrough Genomics
Classification: Likely benign. Review status: criteria provided, single submitter. Criteria: ACMG Guidelines, 2015. Collection method: not provided. Allele origin: germline. Inheritance: Autosomal recessive inheritance. Affected: yes.

PreventionGenetics, part of Exact Sciences
Classification: Benign. Review status: criteria provided, single submitter. Criteria: ACMG Guidelines, 2015. Collection method: clinical testing. Allele origin: germline.

Clinical Genetics DNA and cytogenetics Diagnostics Lab, Erasmus MC, Erasmus Medical Center
Classification: Benign. Review status: no assertion criteria provided. Collection method: clinical testing. Allele origin: germline. Affected: yes. Study: VKGL Data-share Consensus. Not counted in ClinVar's aggregate classification.

Clinical Genetics, Academic Medical Center
Classification: Benign. Review status: no assertion criteria provided. Collection method: clinical testing. Allele origin: germline. Affected: yes. Study: VKGL Data-share Consensus. Not counted in ClinVar's aggregate classification.

Genetic Services Laboratory, University of Chicago
Classification: Likely benign for AllHighlyPenetrant. Review status: no assertion criteria provided. Collection method: clinical testing. Allele origin: germline. Not counted in ClinVar's aggregate classification.
Comment: Likely benign based on allele frequency in 1000 Genomes Project or ESP global frequency and its presence in a patient with a rare or unrelated disease phenotype. NOT Sanger confirmed.

Genome Diagnostics Laboratory, University Medical Center Utrecht
Classification: Likely benign. Review status: no assertion criteria provided. Collection method: clinical testing. Allele origin: germline. Affected: yes. Study: VKGL Data-share Consensus. Not counted in ClinVar's aggregate classification.

Laboratory of Diagnostic Genome Analysis, Leiden University Medical Center (LUMC)
Classification: Likely benign. Review status: no assertion criteria provided. Collection method: clinical testing. Allele origin: germline. Affected: yes. Study: VKGL Data-share Consensus. Not counted in ClinVar's aggregate classification.

NM_001267550.2(TTN):c.43603C>T (p.Arg14535Cys)

Gene: TTN (titin; minus strand). Cytogenetic location: 2q31.2.
Variant type: single nucleotide variant.
Coding change: c.43603C>T on transcript NM_001267550.2 (MANE Select); coding-DNA position 43603, C replaced by T.
Protein change: p.Arg14535Cys; replaces arginine 14535 with cysteine.
Molecular consequence: missense variant.
Genome position (GRCh38, 1-based): chr2:178,632,291, G>A on the plus strand (C>T on the coding strand, the complement: TTN is on the minus strand). VCF-style: chr2-178632291-G-A. GRCh37 (hg19) VCF-style: chr2-179497018-G-A.
Other names: p.R11967C:CGC>TGC; p.Arg12894Cys; c.38680C>T, p.Arg12894Cys (NM_001256850.1); c.16408C>T, p.Arg5470Cys (NM_003319.4); c.35899C>T, p.Arg11967Cys (NM_133378.4); c.16783C>T, p.Arg5595Cys (NM_133432.3); c.16984C>T, p.Arg5662Cys (NM_133437.4); short protein forms R14535C, R11967C, R12894C, R5595C, R5470C, R5662C.
Identifiers: ClinVar variation 46971 (VCV000046971.39), dbSNP rs12471771, ClinGen allele CA232496.